The following is an entry in ClinVar:

NM_144997.7(FLCN):c.871+100C>A

Gene: FLCN (folliculin; minus strand). Cytogenetic location: 17p11.2.
Variant type: single nucleotide variant.
Coding change: c.871+100C>A on transcript NM_144997.7 (MANE Select); 100 bases into the intron after coding-DNA position 871, C replaced by A.
Molecular consequence: intron variant. On other transcripts: missense variant (1).
Genome position (GRCh38, 1-based): chr17:17,221,437, G>T on the plus strand (C>A on the coding strand, the complement: FLCN is on the minus strand). VCF-style: chr17-17221437-G-T. GRCh37 (hg19) VCF-style: chr17-17124751-G-T.
Other names: c.971C>A, p.Ala324Glu (NM_144606.7); c.871+100C>A (NM_001353231.2, NM_001353230.2); c.925+100C>A (NM_001353229.2); short protein forms A324E.
Identifiers: ClinVar variation 5021854 (VCV005021854.1).

ClinVar aggregate classification (germline): Uncertain significance (1 of 4 stars; one submission).

Conditions:
Hereditary cancer-predisposing syndrome. Also called: Neoplastic Syndromes, Hereditary; Tumor predisposition; Hereditary neoplastic syndrome; Hereditary Cancer Syndrome. Identifiers: Orphanet 140162, MedGen C0027672, MeSH D009386, MONDO:0015356.

Submission:

Ambry Genetics
Classification: Uncertain significance for Hereditary cancer-predisposing syndrome. Last evaluated: 2026-07-06. Review status: criteria provided, single submitter. Criteria: Ambry Variant Classification Scheme 2023. Collection method: clinical testing. Allele origin: germline.
Comment: The p.A324E variant (also known as c.971C>A), located in coding exon 5 of the FLCN gene, results from a C to A substitution at nucleotide position 971. The alanine at codon 324 is replaced by glutamic acid, an amino acid with dissimilar properties. This amino acid position is conserved. In addition, this alteration is predicted to be tolerated by in silico analysis. Based on the available evidence, the clinical significance of this variant remains unclear.